The following is an entry in ClinVar:

NM_001277115.2(DNAH11):c.5005C>T (p.Gln1669Ter)

Gene: DNAH11 (dynein axonemal heavy chain 11; plus strand). Cytogenetic location: 7p15.3.
Variant type: single nucleotide variant.
Coding change: c.5005C>T on transcript NM_001277115.2 (MANE Select); coding-DNA position 5005, C replaced by T.
Protein change: p.Gln1669Ter; replaces glutamine 1669 with a stop codon.
Molecular consequence: nonsense.
Genome position (GRCh38, 1-based): chr7:21,655,892, C>T. VCF-style: chr7-21655892-C-T. GRCh37 (hg19) VCF-style: chr7-21695510-C-T.
Other names: c.5020C>T, p.Gln1674Ter (NM_003777.3); short protein forms Q1674*, Q1669*.
Identifiers: ClinVar variation 2786785 (VCV002786785.4), dbSNP rs2534830355, ClinGen allele CA366938020.

ClinVar aggregate classification (germline): Pathogenic/Likely pathogenic. Review status: criteria provided, multiple submitters, no conflicts (2 of 4 stars). 2 submissions from 2 submitters: Pathogenic (1); Likely pathogenic (1). Last evaluated 2024-01-29.

Conditions:
Primary ciliary dyskinesia. Also called: Ciliary dyskinesia. Identifiers: Orphanet 244, MedGen C0008780, MONDO:0016575, HP:0012265.
Primary ciliary dyskinesia 7. Also called: CILIARY DYSKINESIA, PRIMARY, 7, WITH OR WITHOUT SITUS INVERSUS. Identifiers: Orphanet 244, MedGen C2678473, MONDO:0012748, OMIM 611884.

Submissions (2):

Labcorp Genetics (formerly Invitae), Labcorp
Classification: Pathogenic for Primary ciliary dyskinesia. Last evaluated: 2024-01-29. Review status: criteria provided, single submitter. Criteria: Invitae Variant Classification Sherloc (09022015). Collection method: clinical testing. Allele origin: germline.
Comment: This sequence change creates a premature translational stop signal (p.Gln1669*) in the DNAH11 gene. It is expected to result in an absent or disrupted protein product. Loss-of-function variants in DNAH11 are known to be pathogenic (PMID: 18022865, 20513915, 22184204). This variant is not present in population databases (gnomAD no frequency). This variant has not been reported in the literature in individuals affected with DNAH11-related conditions. For these reasons, this variant has been classified as Pathogenic.

New York Genome Center
Classification: Likely pathogenic for Primary ciliary dyskinesia 7. Last evaluated: 2023-07-31. Review status: criteria provided, single submitter. Criteria: NYGC Assertion Criteria 2020. Collection method: clinical testing. Allele origin: inherited. Affected: yes. Observed: 1 homozygote. Study: PrenatalSEQ.
Comment: The homozygous c.5005C>T p.(Gln1669Ter) stop-gain variant identified in the DNAH11 gene has not been reported in affected individuals in the literature or in the ClinVar database. This variant is absent from population databases (gnomAD v2.1.1 and v3.1.2, TOPMed Freeze 8) suggesting it is not a common benign variant in the populations represented in those databases. The c.5005C>T variant is located in exon 29 of this 82-exon gene, is predicted to incorporate a premature translation termination codon [p.(Gln1669Ter)], and is expected to result in loss-of-function via nonsense mediated mRNA decay. Predicted loss-of-function variants in exon 29 as well as in upstream and downstream exons of DNAH11 have been reported in the literature and/or in ClinVar database [ClinVar ID: 652424, 632000, PMID: 35728977, 29467202]. Based on available evidence, the homozygous c.5005C>T p.(Gln1669Ter) stop-gain variant identified in the DNAH11 gene is classified as Likely Pathogenic.

Literature cited by the submitters: PubMed 18022865 (cited by Labcorp Genetics (formerly Invitae), Labcorp); PubMed 20513915 (cited by Labcorp Genetics (formerly Invitae), Labcorp); PubMed 22184204 (cited by Labcorp Genetics (formerly Invitae), Labcorp).